The following is an entry in ClinVar:

NM_001111.5(ADAR):c.3019G>A (p.Gly1007Arg)

Gene: ADAR (adenosine deaminase RNA specific; minus strand). Cytogenetic location: 1q21.3.
Variant type: single nucleotide variant.
Coding change: c.3019G>A on transcript NM_001111.5 (MANE Select); coding-DNA position 3019, G replaced by A.
Protein change: p.Gly1007Arg; replaces glycine 1007 with arginine.
Molecular consequence: missense variant.
Genome position (GRCh38, 1-based): chr1:154,588,125, C>T on the plus strand (G>A on the coding strand, the complement: ADAR is on the minus strand). VCF-style: chr1-154588125-C-T. GRCh37 (hg19) VCF-style: chr1-154560601-C-T.
Other names: c.3019G>A, p.Gly1007Arg (LRG_1212t1); c.2134G>A, p.Gly712Arg (NM_001193495.2, NM_001365046.1, NM_001365047.1 and 2 more transcripts); c.3046G>A, p.Gly1016Arg (NM_001365045.1); c.2056G>A, p.Gly686Arg (NM_001365049.1); c.2941G>A, p.Gly981Arg (NM_015840.4); c.2884G>A, p.Gly962Arg (NM_015841.4); short protein forms G1007R, G712R, G981R, G1016R, G962R, G686R.
Identifiers: ClinVar variation 39458 (VCV000039458.71), dbSNP rs398122822, ClinGen allele CA130316.

ClinVar aggregate classification (germline): Pathogenic/Likely pathogenic. Review status: criteria provided, multiple submitters, no conflicts (2 of 4 stars). 23 submissions from 22 submitters: Pathogenic (16); Likely pathogenic (3). 4 of the submissions do not count toward it. Last evaluated 2026-07-10.

Conditions:
Leukodystrophy, Adult-Onset. Identifiers: MedGen CN239186.
ADAR-related disorder. Also called: ADAR-related condition; ADAR-related disorders.
Inborn genetic diseases. Identifiers: MedGen C0950123, MeSH D030342.
Symmetrical dyschromatosis of extremities (DSH). Also called: Dyschromatosis symmetrica hereditaria; DYSCHROMATOSIS SYMMETRICA HEREDITARIA 1; RETICULATE ACROPIGMENTATION OF DOHI; SYMMETRIC DYSCHROMATOSIS OF THE EXTREMITIES. Identifiers: Orphanet 41, MedGen C0406775, MONDO:0007483, OMIM 127400.
Aicardi-Goutieres syndrome 6 (AGS6). Identifiers: Orphanet 51, MedGen C3539013, MONDO:0014007, OMIM 615010.

Submissions 1 to 11 of 23:

Ambry Genetics
Classification: Pathogenic for Inborn genetic diseases. Last evaluated: 2026-07-10. Review status: criteria provided, single submitter. Criteria: Ambry Variant Classification Scheme 2023. Collection method: clinical testing. Allele origin: germline.
Comment: The c.3019G>A (p.G1007R) alteration is located in exon 11 (coding exon 11) of the ADAR gene. This alteration results from a G to A substitution at nucleotide position 3019, causing the glycine (G) at amino acid position 1007 to be replaced by an arginine (R). This change occurs in the last base pair of exon 11 (coding exon 11), which makes it likely to have some effect on normal mRNA splicing.However, loss-of-function of ADAR p.G1007R has not been established as a mechanism of disease. This variant was not reported in population-based cohorts in the Genome Aggregation Database (gnomAD). This variant was reported in individuals with features consistent with autosomal dominant Aicardi-Gouti&egrave;res syndrome; in at least one individual, it was determined to be de novo (Rice 2012, Travaglini 2018, Jones 2022, Fremond 2023, Zhang 2024, Vuocolo 2024; Ambry internal data). This amino acid position is highly conserved in available vertebrate species. This alteration is predicted to be deleterious by in silico analysis. Based on the available evidence, this alteration is classified as pathogenic.

Labcorp Genetics (formerly Invitae), Labcorp
Classification: Pathogenic for Aicardi-Goutieres syndrome 6; Symmetrical dyschromatosis of extremities. Last evaluated: 2025-11-03. Review status: criteria provided, single submitter. Criteria: Invitae Variant Classification Sherloc (09022015). Collection method: clinical testing. Allele origin: germline.
Comment: This sequence change replaces glycine, which is neutral and non-polar, with arginine, which is basic and polar, at codon 1007 of the ADAR protein (p.Gly1007Arg). This variant also falls at the last nucleotide of exon 11, which is part of the consensus splice site for this exon. This variant is not present in population databases (gnomAD no frequency). This missense change has been observed in individual(s) with clinical features of autosomal dominant dyschromatosis symmetrica hereditaria and/or autosomal dominant Aicardi Goutieres syndrome (PMID: 15955093, 16817193, 19017046, 23001123, 24262145, 25243380, 28561207, 29691679, 32801363, 33307271). It has also been observed to segregate with disease in related individuals. ClinVar contains an entry for this variant (Variation ID: 39458). An algorithm developed to predict the effect of missense changes on protein structure and function (PolyPhen-2) suggests that this variant is likely to be disruptive. Experimental studies have shown that this missense change affects ADAR function (PMID: 26802932, 29775506). Variants that disrupt the consensus splice site are a relatively common cause of aberrant splicing (PMID: 17576681, 9536098). For these reasons, this variant has been classified as Pathogenic.

NHS Central & South Genomic Laboratory Hub
Classification: Pathogenic for Adult onset leukodystrophy. Last evaluated: 2025-10-21. Review status: criteria provided, single submitter. Criteria: ACMG Guidelines, 2015. Collection method: clinical testing. Allele origin: germline. Affected: yes.

Institute of Medical Genetics and Applied Genomics, University Hospital Tübingen
Classification: Pathogenic for Aicardi-Goutieres syndrome 6. Last evaluated: 2024-06-17. Review status: criteria provided, single submitter. Criteria: ACMG Guidelines, 2015. Collection method: clinical testing. Allele origin: germline. Inheritance: Autosomal dominant inheritance. Affected: yes.

Unidad de Genómica Garrahan, Hospital de Pediatría Garrahan
Classification: Pathogenic for Aicardi-Goutieres syndrome 6. Last evaluated: 2024-03-01. Review status: criteria provided, single submitter. Criteria: ACMG Guidelines, 2015. Collection method: clinical testing. Allele origin: unknown. Inheritance: Autosomal dominant inheritance. Affected: yes. Observed: 1 heterozygote.
Comment: The NM_001111.5: c.3019G>A variant is located in exon 11 of the ADAR gene. This variant involves a change at the protein level from Glycine to Arginine at position 1007 (p.(Gly1007Arg)). This position is highly conserved and corresponds to a well-established domain of the protein. This variant has a null frequency in population databases and, in turn, has numerous reports in ClinVar, where it is classified as likely pathogenic/pathogenic (ClinVarID: 39458). In addition, more than 4 cases have been reported in which the variant was found 'de novo' (PMID: 23001123, 33307271). On the other hand, bioinformatic tools predict that the variant would be deleterious, which agrees with what has been demonstrated through functional studies (PMID: 25243380, 26372505). It is important to highlight that, although patients with the AGS phenotype associated with an autosomal recessive inheritance pattern have been described, this particular variant behaves as dominant-negative, so affected patients are heterozygous for said variant. (PS3supporting, PM1supporting, PM2moderate, PM6strong, PP3moderate)

CeGaT Center for Human Genetics Tuebingen
Classification: Pathogenic. Last evaluated: 2024-02-01. Review status: criteria provided, single submitter. Criteria: CeGaT Center For Human Genetics Tuebingen Variant Classification Criteria Version 2. Collection method: clinical testing. Allele origin: germline. Affected: yes. Observed: 3 variant alleles.
Comment: ADAR: PS2, PM2, PS4:Moderate, PP3, PS3:Supporting

Blueprint Genetics
Classification: Pathogenic for ADAR-related disorders. Last evaluated: 2023-07-26. Review status: criteria provided, single submitter. Criteria: ACMG Guidelines, 2015. Collection method: clinical testing. Allele origin: germline. Affected: yes. Observed: 3 variant alleles.

Genome-Nilou Lab
Classification: Likely pathogenic for Aicardi-Goutieres syndrome 6. Last evaluated: 2023-04-11. Review status: criteria provided, single submitter. Criteria: ACMG Guidelines, 2015. Collection method: clinical testing. Allele origin: germline. Affected: no.

Baylor Genetics
Classification: Pathogenic for Aicardi-Goutieres syndrome 6. Last evaluated: 2022-07-28. Review status: criteria provided, single submitter. Criteria: ACMG Guidelines, 2015. Collection method: clinical testing. Allele origin: unknown.

North West Genomic Laboratory Hub, Manchester University NHS Foundation Trust
Classification: Likely pathogenic for Aicardi-Goutieres syndrome 6; Symmetrical dyschromatosis of extremities. Last evaluated: 2022-06-28. Review status: criteria provided, single submitter. Criteria: ACMG Guidelines, 2015. Collection method: clinical testing. Allele origin: germline. Affected: yes.
Comment: Criteria Codes: PS3 PS4_Mod PM2 PP3

GeneDx
Classification: Pathogenic. Last evaluated: 2022-04-05. Review status: criteria provided, single submitter. Criteria: GeneDx Variant Classification Process June 2021. Collection method: clinical testing. Allele origin: germline. Affected: yes.
Comment: Reported in published literature in multiple affected individuals from a few unrelated families with dyschromatosis symmetrica hereditaria and neurodegeneration with dystonia and intracranial calcification. Also present in multiple unaffected relatives in these families, suggesting G1007R may exhibit incomplete penetrance (Suzuki et al., 2005; Kondo et al., 2008); Published functional studies suggest that G1007R may confer a dominant-negative effect by binding more tightly to RNA and acting as competitive inhibitor to the wild-type protein (Rice et al., 2012); Not observed at significant frequency in large population cohorts (gnomAD); In silico analysis supports that this missense variant has a deleterious effect on protein structure/function; This variant is associated with the following publications: (PMID: 29775506, 24262145, 25243380, 19017046, 16817193, 27959697, 15955093, 23001123, 29691679, 31737037, 34426522, 32801363, 33307271, 27535533)